The following is an entry in ClinVar:

ClinVar aggregate classification (germline): Likely benign (1 of 4 stars; one submission).

Allele frequency attached by ClinVar (database versions not stated): 1000 Genomes Project 0.00020; 1000 Genomes Project 30x 0.00031; gnomAD 0.00110; gnomAD exomes 0.00133.
gnomAD v4.1: 501 of 398,412 alleles (0.13%); highest among the groups gnomAD compares: Middle Eastern, 0.19%; 1 homozygote.

Submission:

CeGaT Center for Human Genetics Tuebingen
Classification: Likely benign. Last evaluated: 2026-08-01. Review status: criteria provided, single submitter. Criteria: CeGaT Center For Human Genetics Tuebingen Variant Classification Criteria Version 2. Collection method: clinical testing. Allele origin: germline. Affected: yes. Observed: 23 variant alleles.
Comment: KCNQ1OT1: BS1

NM_000218.3(KCNQ1):c.1514+5497G>A

Genes: KCNQ1 (potassium voltage-gated channel subfamily Q member 1; plus strand), KCNQ1OT1 (KCNQ1 opposite strand/antisense transcript 1; minus strand). Cytogenetic location: 11p15.5.
Variant type: single nucleotide variant.
Coding change: c.1514+5497G>A on transcript NM_000218.3 (MANE Select); 5497 bases into the intron after coding-DNA position 1514, G replaced by A.
Molecular consequence: intron variant.
Genome position (GRCh38, 1-based): chr11:2,667,578, G>A. VCF-style: chr11-2667578-G-A. GRCh37 (hg19) VCF-style: chr11-2688808-G-A.
Other names: c.1244+5497G>A (NM_001406837.1); c.1418+5497G>A (NM_001406836.1); c.974+5497G>A (NM_001406838.1); c.1133+5497G>A (NM_181798.2).
Identifiers: ClinVar variation 1711304 (VCV001711304.30), dbSNP rs566393192, ClinGen allele CA216175880.